The following is an entry in ClinVar:

ClinVar aggregate classification (germline): Uncertain significance. Review status: criteria provided, multiple submitters, no conflicts (2 of 4 stars). 2 submissions from 2 submitters: Uncertain significance (2). Last evaluated 2022-06-27.

Allele frequency attached by ClinVar (database versions not stated): gnomAD exomes 0.00001.
gnomAD v4.1: 7 of 1,613,990 alleles (0.00043%); highest among the groups gnomAD compares: South Asian, 0.0077%; no homozygotes.

Submissions (2):

Labcorp Genetics (formerly Invitae), Labcorp
Classification: Uncertain significance. Last evaluated: 2022-06-27. Review status: criteria provided, single submitter. Criteria: Invitae Variant Classification Sherloc (09022015). Collection method: clinical testing. Allele origin: germline.
Comment: This sequence change replaces valine, which is neutral and non-polar, with methionine, which is neutral and non-polar, at codon 1763 of the CDH23 protein (p.Val1763Met). This variant is not present in population databases (gnomAD no frequency). This variant has not been reported in the literature in individuals affected with CDH23-related conditions. Algorithms developed to predict the effect of missense changes on protein structure and function are either unavailable or do not agree on the potential impact of this missense change (SIFT: "Deleterious"; PolyPhen-2: "Not Available"; Align-GVGD: "Class C0"). In summary, the available evidence is currently insufficient to determine the role of this variant in disease. Therefore, it has been classified as a Variant of Uncertain Significance.

Blueprint Genetics
Classification: Uncertain significance. Last evaluated: 2019-09-26. Review status: criteria provided, single submitter. Criteria: ACMG Guidelines, 2015. Collection method: clinical testing. Allele origin: germline.

NM_022124.6(CDH23):c.5287G>A (p.Val1763Met)

Gene: CDH23 (cadherin related 23; plus strand). Cytogenetic location: 10q22.1.
Variant type: single nucleotide variant.
Coding change: c.5287G>A on transcript NM_022124.6 (MANE Select); coding-DNA position 5287, G replaced by A.
Protein change: p.Val1763Met; replaces valine 1763 with methionine.
Molecular consequence: missense variant.
Genome position (GRCh38, 1-based): chr10:71,779,366, G>A. VCF-style: chr10-71779366-G-A. GRCh37 (hg19) VCF-style: chr10-73539123-G-A.
Other names: short protein forms V1763M.
Identifiers: ClinVar variation 1500963 (VCV001500963.4), dbSNP rs1840895261, ClinGen allele CA377142875.
Genomic context (GRCh38, chr10:71,779,366, plus strand): 5'-ACCTTCCCCCGGGACTATGAGGGACCATTTGAAGTCACTGAGGGCCAGCCGGGGCCCAGA[G>A]TGTGGACCTTCCTGGCCCATGACCGAGACTCAGGACCCAACGGGCAGGTGGAGTACAGCA-3'
Protein context (NP_071407.4, residues 1753-1773): EVTEGQPGPR[Val1763Met]WTFLAHDRDS